The following is an entry in ClinVar:

NM_001199799.2(ILDR1):c.1301C>T (p.Pro434Leu)

Gene: ILDR1 (immunoglobulin like domain containing receptor 1; minus strand). Cytogenetic location: 3q13.33.
Variant type: single nucleotide variant.
Coding change: c.1301C>T on transcript NM_001199799.2 (MANE Select); coding-DNA position 1301, C replaced by T.
Protein change: p.Pro434Leu; replaces proline 434 with leucine.
Molecular consequence: missense variant.
Genome position (GRCh38, 1-based): chr3:121,993,448, G>A on the plus strand (C>T on the coding strand, the complement: ILDR1 is on the minus strand). VCF-style: chr3-121993448-G-A. GRCh37 (hg19) VCF-style: chr3-121712295-G-A.
Other names: c.1034C>T, p.Pro345Leu (NM_001199800.2); c.1169C>T, p.Pro390Leu (NM_175924.4); short protein forms P345L, P390L, P434L.
Identifiers: ClinVar variation 1691657 (VCV001691657.10), dbSNP rs760257421, ClinGen allele CA2568721.

ClinVar aggregate classification (germline): Uncertain significance. Review status: criteria provided, multiple submitters, no conflicts (2 of 4 stars). 5 submissions from 5 submitters: Uncertain significance (5). Last evaluated 2025-04-03.

Conditions:
Autosomal recessive nonsyndromic hearing loss 42. Identifiers: Orphanet 90636, MedGen C1864818, MONDO:0012326, OMIM 609646.
Inborn genetic diseases. Identifiers: MedGen C0950123, MeSH D030342.

Allele frequency attached by ClinVar (database versions not stated): ExAC 0.00007.
gnomAD v4.1: 106 of 1,613,858 alleles (0.0066%); highest among the groups gnomAD compares: Admixed American, 0.055%; no homozygotes.

Submissions (5):

Ambry Genetics
Classification: Uncertain significance for Inborn genetic diseases. Last evaluated: 2025-04-03. Review status: criteria provided, single submitter. Criteria: Ambry Variant Classification Scheme 2023. Collection method: clinical testing. Allele origin: germline.

GeneDx
Classification: Uncertain significance. Last evaluated: 2024-08-20. Review status: criteria provided, single submitter. Criteria: GeneDx Variant Classification Process June 2021. Collection method: clinical testing. Allele origin: germline. Affected: yes.
Comment: In silico analysis indicates that this missense variant does not alter protein structure/function; Has not been previously published as pathogenic or benign to our knowledge

Blueprint Genetics
Classification: Uncertain significance. Last evaluated: 2023-08-11. Review status: criteria provided, single submitter. Criteria: ACMG Guidelines, 2015. Collection method: clinical testing. Allele origin: germline.

Labcorp Genetics (formerly Invitae), Labcorp
Classification: Uncertain significance. Last evaluated: 2022-10-18. Review status: criteria provided, single submitter. Criteria: Invitae Variant Classification Sherloc (09022015). Collection method: clinical testing. Allele origin: germline.
Comment: This variant is present in population databases (rs760257421, gnomAD 0.08%). This sequence change replaces proline, which is neutral and non-polar, with leucine, which is neutral and non-polar, at codon 434 of the ILDR1 protein (p.Pro434Leu). This variant has not been reported in the literature in individuals affected with ILDR1-related conditions. In summary, the available evidence is currently insufficient to determine the role of this variant in disease. Therefore, it has been classified as a Variant of Uncertain Significance. Algorithms developed to predict the effect of missense changes on protein structure and function (SIFT, PolyPhen-2, Align-GVGD) all suggest that this variant is likely to be tolerated. ClinVar contains an entry for this variant (Variation ID: 1691657).

Fulgent Genetics
Classification: Uncertain significance for Autosomal recessive nonsyndromic hearing loss 42. Last evaluated: 2021-08-20. Review status: criteria provided, single submitter. Criteria: ACMG Guidelines, 2015. Collection method: clinical testing. Allele origin: unknown.